The following is an entry in ClinVar:

NM_001377.3(DYNC2H1):c.4885C>T (p.Gln1629Ter)

Gene: DYNC2H1 (dynein cytoplasmic 2 heavy chain 1; plus strand). Cytogenetic location: 11q22.3.
Variant type: single nucleotide variant.
Coding change: c.4885C>T on transcript NM_001377.3 (MANE Select); coding-DNA position 4885, C replaced by T.
Protein change: p.Gln1629Ter; replaces glutamine 1629 with a stop codon.
Molecular consequence: nonsense.
Genome position (GRCh38, 1-based): chr11:103,168,877, C>T. VCF-style: chr11-103168877-C-T. GRCh37 (hg19) VCF-style: chr11-103039606-C-T.
Other names: c.4885C>T, p.Gln1629Ter (NM_001080463.2); short protein forms Q1629*.
Identifiers: ClinVar variation 4712602 (VCV004712602.1).

ClinVar aggregate classification (germline): Pathogenic (1 of 4 stars; one submission).

Conditions:
Jeune thoracic dystrophy. Also called: Jeune syndrome; Infantile thoracic dystrophy; Thoracic pelvic phalangeal dystrophy; Jeune's syndrome; Chondroectodermal dysplasia-like syndrome; Short-rib thoracic dysplasia. Identifiers: Orphanet 474, MedGen C0265275, MONDO:0018770.

Submission:

Labcorp Genetics (formerly Invitae), Labcorp
Classification: Pathogenic for Jeune thoracic dystrophy. Last evaluated: 2025-02-08. Review status: criteria provided, single submitter. Criteria: Invitae Variant Classification Sherloc (09022015). Collection method: clinical testing. Allele origin: germline.
Comment: This sequence change creates a premature translational stop signal (p.Gln1629*) in the DYNC2H1 gene. It is expected to result in an absent or disrupted protein product. Loss-of-function variants in DYNC2H1 are known to be pathogenic (PMID: 23339108, 32753734, 33755199). This variant is not present in population databases (gnomAD no frequency). This variant has not been reported in the literature in individuals affected with DYNC2H1-related conditions. Algorithms developed to predict the effect of sequence changes on RNA splicing suggest that this variant may disrupt the consensus splice site. For these reasons, this variant has been classified as Pathogenic.

Literature cited by the submitters: PubMed 23339108; PubMed 32753734; PubMed 33755199.